The following is an entry in ClinVar:

NM_004548.3(NDUFB10):c.505G>A (p.Ala169Thr)

Gene: NDUFB10 (NADH:ubiquinone oxidoreductase subunit B10; plus strand). Cytogenetic location: 16p13.3.
Variant type: single nucleotide variant.
Coding change: c.505G>A on transcript NM_004548.3 (MANE Select); coding-DNA position 505, G replaced by A.
Protein change: p.Ala169Thr; replaces alanine 169 with threonine.
Molecular consequence: missense variant.
Genome position (GRCh38, 1-based): chr16:1,961,892, G>A. VCF-style: chr16-1961892-G-A. GRCh37 (hg19) VCF-style: chr16-2011893-G-A.
Other names: short protein forms A169T.
Identifiers: ClinVar variation 2158137 (VCV002158137.4), dbSNP rs375613670, ClinGen allele CA7823416.
Genomic context (GRCh38, chr16:1,961,892, plus strand): 5'-TGCCTGGCCAAACAGAGGCAGAGGATGCTGCAAGAGAGAAAAGCTGCAAAAGAGGCCGCC[G>A]CTGCCACCTCCTGAGGCAGCTGTGGGTGCCCCTGCTGTGTGGCTCTGTATGACTGTTGCT-3'
Protein context (NP_004539.1, residues 159-172): QERKAAKEAA[Ala169Thr]ATS

ClinVar aggregate classification (germline): Uncertain significance (1 of 4 stars; one submission).

Allele frequency attached by ClinVar (database versions not stated): gnomAD exomes 0.00002; gnomAD 0.00003; TOPMed 0.00004; ExAC 0.00009; ESP Exome Variant Server 0.00016.
gnomAD v4.1: 30 of 1,561,092 alleles (0.0019%); highest among the groups gnomAD compares: African/African-American, 0.0095%; no homozygotes.

Submission:

Labcorp Genetics (formerly Invitae), Labcorp
Classification: Uncertain significance. Last evaluated: 2024-12-02. Review status: criteria provided, single submitter. Criteria: Invitae Variant Classification Sherloc (09022015). Collection method: clinical testing. Allele origin: germline.
Comment: This sequence change replaces alanine, which is neutral and non-polar, with threonine, which is neutral and polar, at codon 169 of the NDUFB10 protein (p.Ala169Thr). The frequency data for this variant in the population databases is considered unreliable, as metrics indicate poor data quality at this position in the gnomAD database. This variant has not been reported in the literature in individuals affected with NDUFB10-related conditions. ClinVar contains an entry for this variant (Variation ID: 2158137). An algorithm developed to predict the effect of missense changes on protein structure and function outputs the following: PolyPhen-2: "Possibly Damaging". The threonine amino acid residue is found in multiple mammalian species, which suggests that this missense change does not adversely affect protein function. In summary, the available evidence is currently insufficient to determine the role of this variant in disease. Therefore, it has been classified as a Variant of Uncertain Significance.